The following is an entry in ClinVar:

ClinVar aggregate classification (germline): Uncertain significance (1 of 4 stars; one submission).

gnomAD v4.1: 2 of 1,611,084 alleles (0.00012%); highest among the groups gnomAD compares: Non-Finnish European, 0.00017%; no homozygotes.

Submission:

Labcorp Genetics (formerly Invitae), Labcorp
Classification: Uncertain significance. Last evaluated: 2024-04-02. Review status: criteria provided, single submitter. Criteria: Invitae Variant Classification Sherloc (09022015). Collection method: clinical testing. Allele origin: germline.
Comment: This sequence change replaces alanine, which is neutral and non-polar, with glycine, which is neutral and non-polar, at codon 269 of the GSN protein (p.Ala269Gly). This variant is not present in population databases (gnomAD no frequency). This variant has not been reported in the literature in individuals affected with GSN-related conditions. Advanced modeling of protein sequence and biophysical properties (such as structural, functional, and spatial information, amino acid conservation, physicochemical variation, residue mobility, and thermodynamic stability) performed at Invitae indicates that this missense variant is not expected to disrupt GSN protein function with a negative predictive value of 80%. In summary, the available evidence is currently insufficient to determine the role of this variant in disease. Therefore, it has been classified as a Variant of Uncertain Significance.

NM_198252.3(GSN):c.653C>G (p.Ala218Gly)

Gene: GSN (gelsolin; plus strand). Cytogenetic location: 9q33.2.
Variant type: single nucleotide variant.
Coding change: c.653C>G on transcript NM_198252.3 (MANE Select); coding-DNA position 653, C replaced by G.
Protein change: p.Ala218Gly; replaces alanine 218 with glycine.
Molecular consequence: missense variant. On other transcripts: 5 prime UTR variant (1).
Genome position (GRCh38, 1-based): chr9:121,312,478, C>G. VCF-style: chr9-121312478-C-G. GRCh37 (hg19) VCF-style: chr9-124074756-C-G.
Other names: c.653C>G, p.Ala218Gly (NM_001353057.2, NM_001353058.2, NM_001353059.2 and 10 more transcripts); c.686C>G, p.Ala229Gly (NM_001353063.2, NM_001353064.2, NM_001353065.2 and 13 more transcripts); c.806C>G, p.Ala269Gly (NM_000177.5); c.761C>G, p.Ala254Gly (NM_001127663.2); c.704C>G, p.Ala235Gly (NM_001258029.2); c.677C>G, p.Ala226Gly (NM_001258030.2); c.725C>G, p.Ala242Gly (NM_001353076.2); c.-2C>G (NM_001353078.2); short protein forms A226G, A235G, A269G, A229G, A242G, A218G, A254G.
Identifiers: ClinVar variation 3668529 (VCV003668529.2).